The following is an entry in ClinVar:

ClinVar aggregate classification (germline): Uncertain significance (1 of 4 stars; one submission).

Conditions:
Multiple congenital exostosis (EXT). Also called: Multiple osteochondromas; MULTIPLE CARTILAGINOUS EXOSTOSES; Hereditary multiple osteochondromas; Multiple exostoses; Hereditary multiple exostoses; Hereditary multiple exostosis. Identifiers: Orphanet 321, MedGen C0015306, MONDO:0005508, HP:0002762.

Allele frequency attached by ClinVar (database versions not stated): ExAC 0.00002.
gnomAD v4.1: 15 of 1,610,304 alleles (0.00093%); highest among the groups gnomAD compares: East Asian, 0.025%; no homozygotes.

Submission:

Labcorp Genetics (formerly Invitae), Labcorp
Classification: Uncertain significance for Multiple congenital exostosis. Last evaluated: 2025-02-11. Review status: criteria provided, single submitter. Criteria: Invitae Variant Classification Sherloc (09022015). Collection method: clinical testing. Allele origin: germline.
Comment: This sequence change replaces phenylalanine, which is neutral and non-polar, with leucine, which is neutral and non-polar, at codon 23 of the EXT1 protein (p.Phe23Leu). This variant is present in population databases (rs200276819, gnomAD 0.02%). This variant has not been reported in the literature in individuals affected with EXT1-related conditions. ClinVar contains an entry for this variant (Variation ID: 1990331). Invitae Evidence Modeling of protein sequence and biophysical properties (such as structural, functional, and spatial information, amino acid conservation, physicochemical variation, residue mobility, and thermodynamic stability) has been performed for this missense variant. However, the output from this modeling did not meet the statistical confidence thresholds required to predict the impact of this variant on EXT1 protein function. Algorithms developed to predict the effect of sequence changes on RNA splicing suggest that this variant may create or strengthen a splice site. In summary, the available evidence is currently insufficient to determine the role of this variant in disease. Therefore, it has been classified as a Variant of Uncertain Significance.

NM_000127.3(EXT1):c.69C>A (p.Phe23Leu)

Gene: EXT1 (exostosin glycosyltransferase 1; minus strand). Cytogenetic location: 8q24.11.
Variant type: single nucleotide variant.
Coding change: c.69C>A on transcript NM_000127.3 (MANE Select); coding-DNA position 69, C replaced by A.
Protein change: p.Phe23Leu; replaces phenylalanine 23 with leucine.
Molecular consequence: missense variant.
Genome position (GRCh38, 1-based): chr8:118,110,978, G>T on the plus strand (C>A on the coding strand, the complement: EXT1 is on the minus strand). VCF-style: chr8-118110978-G-T. GRCh37 (hg19) VCF-style: chr8-119123217-G-T.
Other names: short protein forms F23L.
Identifiers: ClinVar variation 1990331 (VCV001990331.4), dbSNP rs200276819, ClinGen allele CA4854433.